The following is an entry in ClinVar:

ClinVar aggregate classification (germline): Pathogenic (1 of 4 stars; one submission).

Conditions:
Gaucher disease. Also called: Acute cerebral Gaucher disease; Cerebroside lipidosis syndrome; Gaucher splenomegaly; Sphingolipidosis 1; Glucocerebrosidosis; Glucosylceramidase deficiency. Identifiers: Orphanet 355, MedGen C0017205, MONDO:0018150.

Submission:

Natera, Inc.
Classification: Pathogenic for Gaucher disease. Last evaluated: 2024-05-09. Review status: criteria provided, single submitter. Criteria: Natera Variant Classification Schema (03/2026). Collection method: clinical testing. Allele origin: germline.
Comment: The c.110_115+1del variant in GBA1 is a canonical splice donor site variant predicted to affect pre-mRNA splicing, which may result in an abnormal transcript and altered protein product. This variant is expected to result in nonsense mediated decay, truncation, or a dysfunctional protein product. This variant is rare in the general population with a frequency below the threshold expected for the associated phenotype(s). Another variant at this same site results in an alteration predicted to cause a similar molecular effect has been observed in individual(s) with the associated phenotype. Given the available evidence, this variant is classified as Pathogenic.

NM_000157.4(GBA1):c.110_115+1del

Gene: GBA1 (glucosylceramidase beta 1; minus strand). Cytogenetic location: 1q22.
Variant type: Deletion.
Coding change: c.110_115+1del on transcript NM_000157.4 (MANE Select); coding-DNA position 110 through the canonical splice donor site of the intron after coding-DNA position 115, 7 bases deleted (CATCAGG; older notation c.110_115+1delCATCAGG).
Molecular consequence: splice donor variant. On other transcripts: intron variant (1).
Genome position (GRCh38, 1-based): chr1:155,240,629-155,240,635, CCTGATG deleted on the plus strand (CATCAGG on the coding strand, the reverse complement: GBA1 is on the minus strand); deleting any 7 consecutive bases within chr1:155,240,629-155,240,637 gives the same sequence; the c. name uses the placement nearest the transcript's 3' end. VCF-style (leftmost placement, unchanged base first): chr1-155240628-ACCTGATG-A. GRCh37 (hg19) VCF-style: chr1-155210419-ACCTGATG-A.
Other names: c.-146-558_-146-552del (NM_001171811.2); c.110_115+1del (NM_001005742.3, NM_001005741.3, NM_001171812.2).
Identifiers: ClinVar variation 4817668 (VCV004817668.1).